The following is an entry in ClinVar:

ClinVar aggregate classification (germline): Pathogenic (1 of 4 stars; one submission).

Conditions:
Kennedy disease (SMAX1). Also called: SPINAL AND BULBAR MUSCULAR ATROPHY, X-LINKED 1; KENNEDY SPINAL AND BULBAR MUSCULAR ATROPHY; Spinal and Bulbar Muscular Atrophy. Identifiers: Orphanet 481, MedGen C1839259, MONDO:0010735, OMIM 313200.
Androgen resistance syndrome (AIS). Also called: ANDROGEN RECEPTOR DEFICIENCY; DIHYDROTESTOSTERONE RECEPTOR DEFICIENCY; TESTICULAR FEMINIZATION SYNDROME; Androgen insensitivity syndrome; Androgen insensitivity; DHTR DEFICIENCY. Identifiers: Orphanet 754, Orphanet 99429, MedGen C0039585, MONDO:0019154, OMIM 300068. Disease mechanism: loss of function.

Submission:

Labcorp Genetics (formerly Invitae), Labcorp
Classification: Pathogenic for Kennedy disease; Androgen resistance syndrome. Last evaluated: 2024-08-23. Review status: criteria provided, single submitter. Criteria: Invitae Variant Classification Sherloc (09022015). Collection method: clinical testing. Allele origin: germline.
Comment: This sequence change creates a premature translational stop signal (p.Asp156Leufs*16) in the AR gene. It is expected to result in an absent or disrupted protein product. Loss-of-function variants in AR are known to be pathogenic (PMID: 19463997). This variant is not present in population databases (gnomAD no frequency). This variant has not been reported in the literature in individuals affected with AR-related conditions. For these reasons, this variant has been classified as Pathogenic.

Literature cited by the submitters: PubMed 19463997.

NM_000044.6(AR):c.466_475del (p.Asp156fs)

Gene: AR (androgen receptor; plus strand). Cytogenetic location: Xq12.
Variant type: Deletion.
Coding change: c.466_475del on transcript NM_000044.6 (MANE Select); coding-DNA positions 466 to 475, 10 bases deleted (GATGACTCAG; older notation c.466_475delGATGACTCAG).
Protein change: p.Asp156fs; shifts the reading frame from aspartic acid 156.
Molecular consequence: frameshift variant. On other transcripts: 5 prime UTR variant (1).
Genome position (GRCh38, 1-based): chrX:67,545,612-67,545,621, GATGACTCAG deleted; deleting any 10 consecutive bases within chrX:67,545,610-67,545,621 gives the same sequence; the c. name uses the placement nearest the transcript's 3' end. VCF-style (leftmost placement, unchanged base first): chrX-67545609-GAGGATGACTC-G. GRCh37 (hg19) VCF-style: chrX-66765451-GAGGATGACTC-G.
Other names: c.-1318_-1309del (NM_001011645.3); c.466_475del, p.Asp156fs (NM_001348061.1, NM_001348063.1, NM_001348064.1); short protein forms D156fs.
Identifiers: ClinVar variation 3757151 (VCV003757151.2).